The following is an entry in ClinVar:

NM_001458.5(FLNC):c.3772C>T (p.Pro1258Ser)

Gene: FLNC (filamin C; plus strand). Cytogenetic location: 7q32.1.
Variant type: single nucleotide variant.
Coding change: c.3772C>T on transcript NM_001458.5 (MANE Select); coding-DNA position 3772, C replaced by T.
Protein change: p.Pro1258Ser; replaces proline 1258 with serine.
Molecular consequence: missense variant.
Genome position (GRCh38, 1-based): chr7:128,845,237, C>T. VCF-style: chr7-128845237-C-T. GRCh37 (hg19) VCF-style: chr7-128485291-C-T.
Other names: c.3772C>T, p.Pro1258Ser (NM_001127487.2); short protein forms P1258S.
Identifiers: ClinVar variation 472048 (VCV000472048.26), dbSNP rs374764212, ClinGen allele CA4475120.

ClinVar aggregate classification (germline): Conflicting classifications of pathogenicity. Review status: criteria provided, conflicting classifications (1 of 4 stars). 5 submissions from 5 submitters: Uncertain significance (4); Likely benign (1). Last evaluated 2026-09-18.

Conditions:
FLNC-related disorder. Also called: FLNC-related disorders; FLNC-related condition.
Myofibrillar myopathy 5. Also called: FILAMINOPATHY, AUTOSOMAL DOMINANT; Filaminopathy (type). Identifiers: Orphanet 171445, MedGen C1836050, MONDO:0012289, OMIM 609524.
Hypertrophic cardiomyopathy 26. Also called: Cardiomyopathy, familial hypertrophic, 26. Identifiers: Orphanet 75249, MedGen C4310749, MONDO:0014883, OMIM 617047.
Distal myopathy with posterior leg and anterior hand involvement. Also called: WILLIAMS DISTAL MYOPATHY. Identifiers: Orphanet 63273, MedGen C3279722, MONDO:0013550, OMIM 614065.
Cardiovascular phenotype. Identifiers: MedGen CN230736.

Allele frequency attached by ClinVar (database versions not stated): gnomAD exomes 0.00001 and 0.00002; ExAC 0.00004; gnomAD 0.00006; ESP Exome Variant Server 0.00016; TOPMed 0.00041.
gnomAD v4.1: 44 of 1,613,452 alleles (0.0027%); highest among the groups gnomAD compares: Admixed American, 0.032%; no homozygotes.

Submissions (5):

PreventionGenetics, part of Exact Sciences
Classification: Uncertain significance for FLNC-related condition. Last evaluated: 2026-09-18. Review status: criteria provided, single submitter. Criteria: ACMG Guidelines, 2015. Collection method: clinical testing. Allele origin: germline.
Comment: The FLNC c.3772C>T variant is predicted to result in the amino acid substitution p.Pro1258Ser. To our knowledge, this variant has not been reported in the literature. This variant is reported in 0.017% of alleles in individuals of African descent in gnomAD. At this time, the clinical significance of this variant is uncertain due to the absence of conclusive functional and genetic evidence.

GeneDx
Classification: Uncertain significance. Last evaluated: 2026-07-27. Review status: criteria provided, single submitter. Criteria: GeneDx Variant Classification Process June 2021. Collection method: clinical testing. Allele origin: germline.
Comment: Identified in a patient with possible arrhythmogenic cardiomyopathy (AC) presenting as subacute myocarditis with extensive LGE on cardiac MRI (Hussein (2022)); In silico analysis supports that this missense variant has a deleterious effect on protein structure/function; This variant is associated with the following publications: (PMID: HusseinA2022[poster])

Labcorp Genetics (formerly Invitae), Labcorp
Classification: Likely benign for Distal myopathy with posterior leg and anterior hand involvement; Myofibrillar myopathy 5; Hypertrophic cardiomyopathy 26. Last evaluated: 2026-01-19. Review status: criteria provided, single submitter. Criteria: Invitae Variant Classification Sherloc (09022015). Collection method: clinical testing. Allele origin: germline.

Ambry Genetics
Classification: Uncertain significance for Cardiovascular phenotype. Last evaluated: 2024-11-18. Review status: criteria provided, single submitter. Criteria: Ambry Variant Classification Scheme 2023. Collection method: clinical testing. Allele origin: germline.
Comment: The p.P1258S variant (also known as c.3772C>T), located in coding exon 21 of the FLNC gene, results from a C to T substitution at nucleotide position 3772. The proline at codon 1258 is replaced by serine, an amino acid with similar properties. This amino acid position is highly conserved in available vertebrate species. In addition, the in silico prediction for this alteration is inconclusive. Since supporting evidence is limited at this time, the clinical significance of this alteration remains unclear.

Revvity Omics, Revvity
Classification: Uncertain significance. Last evaluated: 2021-05-12. Review status: criteria provided, single submitter. Criteria: ACMG Guidelines, 2015. Collection method: clinical testing. Allele origin: germline.